The following is an entry in ClinVar:

ClinVar aggregate classification (germline): Likely benign (0 of 4 stars; one submission).

Conditions:
SREBF2-related disorder. Also called: SREBF2-related condiiton.

Allele frequency attached by ClinVar (database versions not stated): TOPMed 0.00006; ESP Exome Variant Server 0.00008; gnomAD 0.00011; gnomAD exomes 0.00026; ExAC 0.00044; 1000 Genomes Project 30x 0.00047; 1000 Genomes Project 0.00060.
gnomAD v4.1: 409 of 1,614,166 alleles (0.025%); highest among the groups gnomAD compares: Middle Eastern, 0.59%; 5 homozygotes.

Submission:

PreventionGenetics, part of Exact Sciences
Classification: Likely benign for SREBF2-related condition. Last evaluated: 2022-09-07. Review status: no assertion criteria provided. Collection method: clinical testing. Allele origin: germline.
Comment: This variant is classified as likely benign based on ACMG/AMP sequence variant interpretation guidelines (Richards et al. 2015 PMID: 25741868, with internal and published modifications).

NM_004599.4(SREBF2):c.2059G>A (p.Ala687Thr)

Gene: SREBF2 (sterol regulatory element binding transcription factor 2; plus strand). Cytogenetic location: 22q13.2.
Variant type: single nucleotide variant.
Coding change: c.2059G>A on transcript NM_004599.4 (MANE Select); coding-DNA position 2059, G replaced by A.
Protein change: p.Ala687Thr; replaces alanine 687 with threonine.
Molecular consequence: missense variant. On other transcripts: non-coding transcript variant (1).
Genome position (GRCh38, 1-based): chr22:41,884,862, G>A. VCF-style: chr22-41884862-G-A. GRCh37 (hg19) VCF-style: chr22-42280866-G-A.
Other names: short protein forms A687T.
Identifiers: ClinVar variation 3042832 (VCV003042832.2), dbSNP rs372911487, ClinGen allele CA10261836.